The following is an entry in ClinVar:

NM_000020.3(ACVRL1):c.1444G>C (p.Ala482Pro)

Gene: ACVRL1 (activin A receptor like type 1; plus strand). Cytogenetic location: 12q13.13.
Variant type: single nucleotide variant.
Coding change: c.1444G>C on transcript NM_000020.3 (MANE Select); coding-DNA position 1444, G replaced by C.
Protein change: p.Ala482Pro; replaces alanine 482 with proline.
Molecular consequence: missense variant.
Genome position (GRCh38, 1-based): chr12:51,920,825, G>C. VCF-style: chr12-51920825-G-C. GRCh37 (hg19) VCF-style: chr12-52314609-G-C.
Other names: c.1444G>C, p.Ala482Pro (NM_001077401.2, NM_001406487.1); c.1288G>C, p.Ala430Pro (NM_001406490.1); c.1132G>C, p.Ala378Pro (NM_001406491.1, NM_001406492.1); c.934G>C, p.Ala312Pro (NM_001406494.1); c.880G>C, p.Ala294Pro (NM_001406495.1); short protein forms A294P, A430P, A312P, A378P, A482P.
Identifiers: ClinVar variation 2861320 (VCV002861320.3), dbSNP rs777374619, ClinGen allele CA384905733.

ClinVar aggregate classification (germline): Uncertain significance (1 of 4 stars; one submission).

Conditions:
Telangiectasia, hereditary hemorrhagic, type 2 (HHT2). Also called: ACVRL1-Related Hereditary Hemorrhagic Telangiectasia; Telangiectasia, hereditary hemorrhagic, type II. Identifiers: Orphanet 774, MedGen C1838163, MONDO:0010880, OMIM 600376. Disease mechanism: loss of function.

Submission:

Labcorp Genetics (formerly Invitae), Labcorp
Classification: Uncertain significance for Telangiectasia, hereditary hemorrhagic, type 2. Last evaluated: 2023-08-11. Review status: criteria provided, single submitter. Criteria: Invitae Variant Classification Sherloc (09022015). Collection method: clinical testing. Allele origin: germline.
Comment: In summary, the available evidence is currently insufficient to determine the role of this variant in disease. Therefore, it has been classified as a Variant of Uncertain Significance. Advanced modeling of protein sequence and biophysical properties (such as structural, functional, and spatial information, amino acid conservation, physicochemical variation, residue mobility, and thermodynamic stability) performed at Invitae indicates that this missense variant is expected to disrupt ACVRL1 protein function. This variant has not been reported in the literature in individuals affected with ACVRL1-related conditions. This variant is not present in population databases (gnomAD no frequency). This sequence change replaces alanine, which is neutral and non-polar, with proline, which is neutral and non-polar, at codon 482 of the ACVRL1 protein (p.Ala482Pro).